The following is an entry in ClinVar:

ClinVar aggregate classification (germline): Uncertain significance (1 of 4 stars; one submission).

Submission:

Labcorp Genetics (formerly Invitae), Labcorp
Classification: Uncertain significance. Last evaluated: 2025-04-10. Review status: criteria provided, single submitter. Criteria: Invitae Variant Classification Sherloc (09022015). Collection method: clinical testing. Allele origin: germline.
Comment: This sequence change replaces alanine, which is neutral and non-polar, with valine, which is neutral and non-polar, at codon 1693 of the TRIOBP protein (p.Ala1693Val). This variant is present in population databases (rs757126892, gnomAD 0.04%). This variant has not been reported in the literature in individuals affected with TRIOBP-related conditions. An algorithm developed to predict the effect of missense changes on protein structure and function (PolyPhen-2) suggests that this variant is likely to be tolerated. In summary, the available evidence is currently insufficient to determine the role of this variant in disease. Therefore, it has been classified as a Variant of Uncertain Significance.

NM_001039141.3(TRIOBP):c.5078C>T (p.Ala1693Val)

Gene: TRIOBP (TRIO and F-actin binding protein; plus strand). Cytogenetic location: 22q13.1.
Variant type: single nucleotide variant.
Coding change: c.5078C>T on transcript NM_001039141.3 (MANE Select); coding-DNA position 5078, C replaced by T.
Protein change: p.Ala1693Val; replaces alanine 1693 with valine.
Molecular consequence: missense variant.
Genome position (GRCh38, 1-based): chr22:37,735,414, C>T. VCF-style: chr22-37735414-C-T. GRCh37 (hg19) VCF-style: chr22-38131421-C-T.
Other names: short protein forms A1693V.
Identifiers: ClinVar variation 4739550 (VCV004739550.1).
Genomic context (GRCh38, chr22:37,735,414, plus strand): 5'-CAGCGACCGCAACTCTGGCAGGCCTGGAGCAGACGGGCCCCCTGGGGAGCAGGAGCACTG[C>T]GAAGGGCCCCAGCTTGCCAGAGCTGCAGGTAAGGAGGTTTCCACCCTCCCAAGGGTAGCC-3'
Protein context (NP_001034230.1, residues 1683-1703): QTGPLGSRST[Ala1693Val]KGPSLPELQF